The following is an entry in ClinVar:

ClinVar aggregate classification (germline): Uncertain significance (1 of 4 stars; one submission).

Conditions:
PUF60-related disorder. Also called: PUF60-related condition.

Submission:

PreventionGenetics, part of Exact Sciences
Classification: Uncertain significance for PUF60-related condition. Last evaluated: 2025-03-02. Review status: criteria provided, single submitter. Criteria: ACMG Guidelines, 2015. Collection method: clinical testing. Allele origin: germline.
Comment: The PUF60 c.1521_1523delGGA variant is predicted to result in an in-frame deletion (p.Glu507del). To our knowledge, this variant has not been reported in the literature or in a large population database (gnomAD), indicating this variant is rare. At this time, the clinical significance of this variant is uncertain due to the absence of conclusive functional and genetic evidence.

NM_078480.3(PUF60):c.1515GGA[2] (p.Glu507del)

Gene: PUF60 (poly(U) binding splicing factor 60; minus strand). Cytogenetic location: 8q24.3.
Variant type: Microsatellite.
Coding change: c.1515GGA[2] on transcript NM_078480.3 (MANE Select); two copies in a row of the 3-base unit GGA starting at c.1515; the reference has three copies in a row; one copy, 3 bases deleted.
Protein change: p.Glu507del; deletes glutamic acid 507.
Molecular consequence: inframe deletion.
Genome position (GRCh38, 1-based): chr8:143,816,677-143,816,679, TCC deleted on the plus strand (GGA on the coding strand, the reverse complement: PUF60 is on the minus strand); deleting any 3 consecutive bases within chr8:143,816,677-143,816,687 gives the same sequence; the position shown is the placement nearest the transcript's 3' end. VCF-style (leftmost placement, unchanged base first): chr8-143816676-ATCC-A. GRCh37 (hg19) VCF-style: chr8-144898846-ATCC-A.
Other names: c.1386GGA[2], p.Glu464del (NM_001136033.3); c.1461GGA[2], p.Glu489del (NM_001271096.2); c.1377GGA[2], p.Glu461del (NM_001271097.2); c.1512GGA[2], p.Glu506del (NM_001271098.2); c.1428GGA[2], p.Glu478del (NM_001271099.2); c.1335GGA[2], p.Glu447del (NM_001271100.2); c.1626GGA[2], p.Glu544del (NM_001362895.2, NM_001362896.2); c.1575GGA[2], p.Glu527del (NM_001362897.2); and 1 more; short protein forms E447del, E478del, E544del, E464del, E461del, E490del, E506del, E527del.
Identifiers: ClinVar variation 4996911 (VCV004996911.1).